The following is an entry in ClinVar:

NM_000092.5(COL4A4):c.4945A>G (p.Ser1649Gly)

Gene: COL4A4 (collagen type IV alpha 4 chain; minus strand). Cytogenetic location: 2q36.3.
Variant type: single nucleotide variant.
Coding change: c.4945A>G on transcript NM_000092.5 (MANE Select); coding-DNA position 4945, A replaced by G.
Protein change: p.Ser1649Gly; replaces serine 1649 with glycine.
Molecular consequence: missense variant.
Genome position (GRCh38, 1-based): chr2:227,007,453, T>C on the plus strand (A>G on the coding strand, the complement: COL4A4 is on the minus strand). VCF-style: chr2-227007453-T-C. GRCh37 (hg19) VCF-style: chr2-227872169-T-C.
Other names: short protein forms S1649G.
Identifiers: ClinVar variation 896978 (VCV000896978.19), dbSNP rs192411379, ClinGen allele CA2144014.
Genomic context (GRCh38, chr2:227,007,453, plus strand): 5'-TGTCTGGTGCTGGAGCAGAGGAAAACTGCAAGTCTGCTTTCACCGTTGTGAGCCAGAAGC[T>C]ATACTTATTTGCGAAAAAGTGGCAAGTTCCCTGCCGGCCCTGGCATTCAAGGAATGGTGC-3'
Protein context (NP_000083.3, residues 1639-1659): GTCHFFANKY[Ser1649Gly]FWLTTVKADL

ClinVar aggregate classification (germline): Conflicting classifications of pathogenicity. Review status: criteria provided, conflicting classifications (1 of 4 stars). 9 submissions from 9 submitters: Uncertain significance (8); Likely benign (1). Last evaluated 2026-06-01.

Conditions:
Autosomal recessive Alport syndrome (ATS2). Also called: Alport syndrome type 2; ALPORT SYNDROME 2, AUTOSOMAL RECESSIVE; COL4A3-Related Nephropathy; COL4A4 Alport Syndrome and Thin Basement Membrane Nephropathy. Identifiers: Orphanet 63, Orphanet 88919, MedGen C4746745, MONDO:0008762, OMIM 203780.
Benign familial hematuria. Also called: thin basement membrane disease. Identifiers: MedGen C0241908, MONDO:0957317.
Alport syndrome. Also called: Hemorrhagic familial nephritis; Hemorrhagic hereditary nephritis; Congenital hereditary hematuria. Identifiers: Orphanet 63, MedGen C1567741, MONDO:0018965.
COL4A4-related disorder.

Allele frequency attached by ClinVar (database versions not stated): gnomAD 0.00001; gnomAD exomes 0.00002 and 0.00006; 1000 Genomes Project 0.00020; ExAC 0.00003; TOPMed 0.00005; 1000 Genomes Project 30x 0.00016.
gnomAD v4.1: 34 of 1,614,228 alleles (0.0021%); highest among the groups gnomAD compares: East Asian, 0.036%; no homozygotes.

Submissions (9):

PreventionGenetics, part of Exact Sciences
Classification: Uncertain significance for COL4A4-related condition. Last evaluated: 2026-06-01. Review status: criteria provided, single submitter. Criteria: ACMG Guidelines, 2015. Collection method: clinical testing. Allele origin: germline.
Comment: The COL4A4 c.4945A>G variant is predicted to result in the amino acid substitution p.Ser1649Gly. To our knowledge, this variant has not been reported in the literature. This variant is reported in 0.056% of alleles in individuals of East Asian descent in gnomAD. At this time, the clinical significance of this variant is uncertain due to the absence of conclusive functional and genetic evidence.

Labcorp Genetics (formerly Invitae), Labcorp
Classification: Likely benign. Last evaluated: 2026-01-03. Review status: criteria provided, single submitter. Criteria: Invitae Variant Classification Sherloc (09022015). Collection method: clinical testing. Allele origin: germline.

3billion
Classification: Uncertain significance for Autosomal recessive Alport syndrome. Last evaluated: 2025-11-20. Review status: criteria provided, single submitter. Criteria: ACMG Guidelines, 2015. Collection method: clinical testing. Allele origin: germline. Affected: yes.
Comment: The variant is observed at an extremely low frequency in the gnomAD v4.1.0 dataset (total allele frequency: 0.002%). Predicted Consequence/Location: Missense variant In silico tool prediction suggests damaging effect of the variant on gene or gene product [REVEL: 0.83 (>=0.6, sensitivity 0.68 and specificity 0.92)]. The variant has been reported as of uncertain significance (ClinVar ID: VCV000896978). Therefore, this variant is classified as VUS according to the recommendation of ACMG/AMP guideline.

GeneDx
Classification: Uncertain significance. Last evaluated: 2025-08-10. Review status: criteria provided, single submitter. Criteria: GeneDx Variant Classification Process June 2021. Collection method: clinical testing. Allele origin: germline. Affected: yes.
Comment: In silico analysis supports that this missense variant has a deleterious effect on protein structure/function; Has not been previously published as pathogenic or benign in association with a COL4A4-related disorder to our knowledge; This variant is associated with the following publications: (PMID: 29340042)

Blueprint Genetics
Classification: Uncertain significance. Last evaluated: 2024-07-17. Review status: criteria provided, single submitter. Criteria: ACMG Guidelines, 2015. Collection method: clinical testing. Allele origin: germline.

Fulgent Genetics
Classification: Uncertain significance for Hematuria, benign familial, 1; Autosomal recessive Alport syndrome. Last evaluated: 2022-04-28. Review status: criteria provided, single submitter. Criteria: ACMG Guidelines, 2015. Collection method: clinical testing. Allele origin: unknown.

Genome-Nilou Lab
Classification: Uncertain significance for Autosomal recessive Alport syndrome. Last evaluated: 2021-07-14. Review status: criteria provided, single submitter. Criteria: ACMG Guidelines, 2015. Collection method: clinical testing. Allele origin: germline. Affected: no.

Illumina Laboratory Services, Illumina
Classification: Uncertain significance for Alport syndrome. Last evaluated: 2018-01-13. Review status: criteria provided, single submitter. Criteria: ICSL Variant Classification Criteria 13 December 2019. Collection method: clinical testing. Allele origin: germline.

Breakthrough Genomics
Classification: Uncertain significance. Review status: criteria provided, single submitter. Criteria: ACMG Guidelines, 2015. Collection method: not provided. Allele origin: germline. Inheritance: Autosomal recessive inheritance. Affected: yes.